The following is an entry in ClinVar:

NM_000043.6(FAS):c.790A>G (p.Asn264Asp)

Gene: FAS (Fas cell surface death receptor; plus strand). Cytogenetic location: 10q23.31.
Variant type: single nucleotide variant.
Coding change: c.790A>G on transcript NM_000043.6 (MANE Select); coding-DNA position 790, A replaced by G.
Protein change: p.Asn264Asp; replaces asparagine 264 with aspartic acid.
Molecular consequence: missense variant. On other transcripts: 3 prime UTR variant (2), non-coding transcript variant (7).
Genome position (GRCh38, 1-based): chr10:89,014,232, A>G. VCF-style: chr10-89014232-A-G. GRCh37 (hg19) VCF-style: chr10-90773989-A-G.
Other names: c.*113A>G (NM_001320619.2); c.835A>G, p.Asn279Asp (NM_001410956.1); c.727A>G, p.Asn243Asp (NM_152871.4); c.*102A>G (NM_152872.4); short protein forms N279D, N243D, N264D.
Identifiers: ClinVar variation 3719246 (VCV003719246.2).

ClinVar aggregate classification (germline): Uncertain significance (1 of 4 stars; one submission).

Conditions:
Autoimmune lymphoproliferative syndrome type 1. Also called: AUTOIMMUNE LYMPHOPROLIFERATIVE SYNDROME, TYPE I, AUTOSOMAL DOMINANT. Identifiers: Orphanet 3261, MedGen C2717884, MONDO:0011158, OMIM 601859.

Submission:

Labcorp Genetics (formerly Invitae), Labcorp
Classification: Uncertain significance for Autoimmune lymphoproliferative syndrome. Last evaluated: 2024-12-26. Review status: criteria provided, single submitter. Criteria: Invitae Variant Classification Sherloc (09022015). Collection method: clinical testing. Allele origin: germline.
Comment: This sequence change replaces asparagine, which is neutral and polar, with aspartic acid, which is acidic and polar, at codon 264 of the FAS protein (p.Asn264Asp). This variant is not present in population databases (gnomAD no frequency). This missense change has been observed in individual(s) with autoimmune lymphoproliferative syndrome (internal data). Invitae Evidence Modeling of protein sequence and biophysical properties (such as structural, functional, and spatial information, amino acid conservation, physicochemical variation, residue mobility, and thermodynamic stability) indicates that this missense variant is expected to disrupt FAS protein function with a positive predictive value of 80%. This variant disrupts the p.Asn264 amino acid residue in FAS. Other variant(s) that disrupt this residue have been observed in individuals with FAS-related conditions (internal data), which suggests that this may be a clinically significant amino acid residue. In summary, the available evidence is currently insufficient to determine the role of this variant in disease. Therefore, it has been classified as a Variant of Uncertain Significance.